The following is an entry in ClinVar:

ClinVar aggregate classification (germline): not provided (0 of 4 stars; one submission).

Conditions:
Gestational diabetes mellitus uncontrolled. Identifiers: MedGen C3532257.

Submission:

Institute of Molecular and Cell Biology, University of Tartu
No classification provided. Condition: Gestational diabetes mellitus uncontrolled. Review status: no classification provided. Collection method: case-control. Allele origin: unknown. Affected: yes. Study: Kasak2014.
Comment: The study aimed to determine the contribution of copy number variants in the genetic etiology of normal and complicated pregnancies. The samples represented (i) maternal blood DNA drawn from healthy pregnant women during 1st or 2nd trimester and (ii) maternal and paternal blood DNA drawn at term pregnancy cases representing normal and complicated gestations (severe preeclampsia, PE; gestational diabetes, GD; small-for-gestational age newborn, SGA; large-for-gestational age newborn, LGA). We performed CNV calling based on genome-wide genotyping dataset (Illumina HumanOmniExpress-24-v1 BeadChip) by applying three algorithms, QuantiSNP, GADA (Genome Alteration Detection Algorithm) and CNstream in parallel. The acquired CNV calls were merged with HD-CNV (Hotspot Detector for Copy Number Variants) program and only the CNVs predicted by at least two programs, were considered in subsequent analysis.

Literature cited by the submitters: PubMed 25666259.

Single allele

Variant type: Deletion.
Identifiers: ClinVar variation 157434 (VCV000157434.2).